The following is an entry in ClinVar:

ClinVar aggregate classification (germline): Uncertain significance (1 of 4 stars; one submission).

Conditions:
Inborn genetic diseases. Identifiers: MedGen C0950123, MeSH D030342.

Submission:

Ambry Genetics
Classification: Uncertain significance for Inborn genetic diseases. Last evaluated: 2026-03-29. Review status: criteria provided, single submitter. Criteria: Ambry Variant Classification Scheme 2023. Collection method: clinical testing. Allele origin: germline.
Comment: The p.S1682C variant (also known as c.5045C>G), located in coding exon 34 of the ANKRD26 gene, results from a C to G substitution at nucleotide position 5045. The serine at codon 1682 is replaced by cysteine, an amino acid with dissimilar properties. This amino acid position is conserved. In addition, this alteration is predicted to be tolerated by in silico analysis. Based on the available evidence, the clinical significance of this variant remains unclear.

NM_014915.3(ANKRD26):c.5045C>G (p.Ser1682Cys)

Gene: ANKRD26 (ankyrin repeat domain 26; minus strand). Cytogenetic location: 10p12.1.
Variant type: single nucleotide variant.
Coding change: c.5045C>G on transcript NM_014915.3 (MANE Select); coding-DNA position 5045, C replaced by G.
Protein change: p.Ser1682Cys; replaces serine 1682 with cysteine.
Molecular consequence: missense variant.
Genome position (GRCh38, 1-based): chr10:27,005,678, G>C on the plus strand (C>G on the coding strand, the complement: ANKRD26 is on the minus strand). VCF-style: chr10-27005678-G-C. GRCh37 (hg19) VCF-style: chr10-27294607-G-C.
Other names: c.5042C>G, p.Ser1681Cys (NM_001256053.2); short protein forms S1681C, S1682C.
Identifiers: ClinVar variation 4859165 (VCV004859165.1).